The following is an entry in ClinVar:

NM_001854.4(COL11A1):c.3871G>A (p.Gly1291Arg)

Gene: COL11A1 (collagen type XI alpha 1 chain; minus strand). Cytogenetic location: 1p21.1.
Variant type: single nucleotide variant.
Coding change: c.3871G>A on transcript NM_001854.4 (MANE Select); coding-DNA position 3871, G replaced by A.
Protein change: p.Gly1291Arg; replaces glycine 1291 with arginine.
Molecular consequence: missense variant. On other transcripts: non-coding transcript variant (1).
Genome position (GRCh38, 1-based): chr1:102,914,757, C>T on the plus strand (G>A on the coding strand, the complement: COL11A1 is on the minus strand). VCF-style: chr1-102914757-C-T. GRCh37 (hg19) VCF-style: chr1-103380313-C-T.
Other names: c.3523G>A, p.Gly1175Arg (NM_001168249.1, NM_080630.4); c.3754G>A, p.Gly1252Arg (NM_001190709.2); c.3907G>A, p.Gly1303Arg (NM_080629.3); short protein forms G1252R, G1175R, G1291R, G1303R.
Identifiers: ClinVar variation 2104515 (VCV002104515.4), dbSNP rs1655107294, ClinGen allele CA341161456.
Genomic context (GRCh38, chr1:102,914,757, plus strand): 5'-CACTTACCGGGTTACCCTTAGGGCCATCATCACCTGGTGGCCCCTTGGCACCTGGAGGTC[C>T]AGCAGCTCCAGGTGGACCAGCTTCCCCTTTCTCTCCTCTTTCTCCTTTGGGACCCTAAAC-3'
Protein context (NP_001845.3, residues 1281-1301): KGEAGPPGAA[Gly1291Arg]PPGAKGPPGD

ClinVar aggregate classification (germline): Uncertain significance (1 of 4 stars; one submission).

Allele frequency attached by ClinVar (database versions not stated): gnomAD exomes below 0.00001.
gnomAD v4.1: 1 of 1,613,126 alleles (0.000062%); highest among the groups gnomAD compares: Non-Finnish European, 0.000085%; no homozygotes.

Submission:

Labcorp Genetics (formerly Invitae), Labcorp
Classification: Uncertain significance. Last evaluated: 2022-09-19. Review status: criteria provided, single submitter. Criteria: Invitae Variant Classification Sherloc (09022015). Collection method: clinical testing. Allele origin: germline.
Comment: In summary, the available evidence is currently insufficient to determine the role of this variant in disease. Therefore, it has been classified as a Variant of Uncertain Significance. Advanced modeling of protein sequence and biophysical properties (such as structural, functional, and spatial information, amino acid conservation, physicochemical variation, residue mobility, and thermodynamic stability) has been performed at Invitae for this missense variant, however the output from this modeling did not meet the statistical confidence thresholds required to predict the impact of this variant on COL11A1 protein function. This variant has not been reported in the literature in individuals affected with COL11A1-related conditions. This variant is not present in population databases (gnomAD no frequency). This sequence change replaces glycine, which is neutral and non-polar, with arginine, which is basic and polar, at codon 1291 of the COL11A1 protein (p.Gly1291Arg).